The following is an entry in ClinVar:

NM_001927.4(DES):c.3G>A (p.Met1Ile)

Gene: DES (desmin; plus strand). Cytogenetic location: 2q35.
Variant type: single nucleotide variant.
Coding change: c.3G>A on transcript NM_001927.4 (MANE Select); coding-DNA position 3, G replaced by A.
Protein change: p.Met1Ile; changes the start codon (methionine 1).
Molecular consequence: missense variant, initiator codon variant.
Genome position (GRCh38, 1-based): chr2:219,418,465, G>A. VCF-style: chr2-219418465-G-A. GRCh37 (hg19) VCF-style: chr2-220283187-G-A.
Other names: c.3G>A, p.Met1Ile (NM_001382708.1, NM_001382709.1, NM_001382710.1 and 3 more transcripts); short protein forms M1I.
Identifiers: ClinVar variation 3758249 (VCV003758249.2).

ClinVar aggregate classification (germline): Likely pathogenic (1 of 4 stars; one submission).

Conditions:
Desmin-related myofibrillar myopathy (MFM1). Also called: Desminopathy; Desmin related myopathy (former name); Desmin storage myopathy (former name); MYOFIBRILLAR MYOPATHY WITH ARRHYTHMOGENIC RIGHT VENTRICULAR CARDIOMYOPATHY; DESMIN-RELATED MYOPATHY WITH ARRHYTHMOGENIC RIGHT VENTRICULAR CARDIOMYOPATHY; Myofibrillar myopathy 1. Identifiers: Orphanet 363543, Orphanet 98909, MedGen C1832370, MONDO:0011076, OMIM 601419.

Submission:

Labcorp Genetics (formerly Invitae), Labcorp
Classification: Likely pathogenic for Desmin-related myofibrillar myopathy. Last evaluated: 2025-03-26. Review status: criteria provided, single submitter. Criteria: Invitae Variant Classification Sherloc (09022015). Collection method: clinical testing. Allele origin: germline.
Comment: This sequence change affects the initiator methionine of the DES mRNA. The next in-frame methionine is located at codon 263. This variant is not present in population databases (gnomAD no frequency). This variant has not been reported in the literature in individuals affected with DES-related conditions. This variant disrupts head, Coil 1A, and Coil 1B domains of the DES protein, which are important for desmin-mitochondrial interaction (PMID: 33825342, 15477095) . While functional studies have not been performed to directly test the effect of this variant on DES protein function, this suggests that disruption of this region of the protein is causative of disease. In summary, the currently available evidence indicates that the variant is pathogenic, but additional data are needed to prove that conclusively. Therefore, this variant has been classified as Likely Pathogenic.

Literature cited by the submitters: PubMed 33825342; PubMed 15477095.